The following is an entry in ClinVar:

ClinVar aggregate classification (germline): Uncertain significance (1 of 4 stars; one submission).

Conditions:
Inborn genetic diseases. Identifiers: MedGen C0950123, MeSH D030342.

Allele frequency attached by ClinVar (database versions not stated): gnomAD exomes below 0.00001.

Submission:

Ambry Genetics
Classification: Uncertain significance for Inborn genetic diseases. Last evaluated: 2023-03-24. Review status: criteria provided, single submitter. Criteria: Ambry Variant Classification Scheme 2023. Collection method: clinical testing. Allele origin: germline.
Comment: The p.V263M variant (also known as c.787G>A), located in coding exon 8 of the MDH2 gene, results from a G to A substitution at nucleotide position 787. The valine at codon 263 is replaced by methionine, an amino acid with highly similar properties. This amino acid position is conserved. In addition, this alteration is predicted to be tolerated by in silico analysis. Since supporting evidence is limited at this time, the clinical significance of this alteration remains unclear.

NM_005918.4(MDH2):c.787G>A (p.Val263Met)

Gene: MDH2 (malate dehydrogenase 2; plus strand). Cytogenetic location: 7q11.23.
Variant type: single nucleotide variant.
Coding change: c.787G>A on transcript NM_005918.4 (MANE Select); coding-DNA position 787, G replaced by A.
Protein change: p.Val263Met; replaces valine 263 with methionine.
Molecular consequence: missense variant.
Genome position (GRCh38, 1-based): chr7:76,064,855, G>A. VCF-style: chr7-76064855-G-A. GRCh37 (hg19) VCF-style: chr7-75694173-G-A.
Other names: c.661G>A, p.Val221Met (NM_001282403.2); c.466G>A, p.Val156Met (NM_001282404.2); short protein forms V263M, V156M, V221M.
Identifiers: ClinVar variation 2562828 (VCV002562828.2), dbSNP rs1554587603, ClinGen allele CA367768244.